The following is an entry in ClinVar:

NM_001024845.3(SLC6A9):c.1442G>A (p.Arg481Gln)

Gene: SLC6A9 (solute carrier family 6 member 9; minus strand). Cytogenetic location: 1p34.1.
Variant type: single nucleotide variant.
Coding change: c.1442G>A on transcript NM_001024845.3 (MANE Select); coding-DNA position 1442, G replaced by A.
Protein change: p.Arg481Gln; replaces arginine 481 with glutamine.
Molecular consequence: missense variant. On other transcripts: non-coding transcript variant (1).
Genome position (GRCh38, 1-based): chr1:44,000,861, C>T on the plus strand (G>A on the coding strand, the complement: SLC6A9 is on the minus strand). VCF-style: chr1-44000861-C-T. GRCh37 (hg19) VCF-style: chr1-44466533-C-T.
Other names: c.1454G>A, p.Arg485Gln (NM_001261380.2); c.1109G>A, p.Arg370Gln (NM_001328626.2, NM_001328630.2); c.1379G>A, p.Arg460Gln (NM_001328627.1); c.1247G>A, p.Arg416Gln (NM_001328628.1); c.1442G>A, p.Arg481Gln (NM_001328629.1); c.1499G>A, p.Arg500Gln (NM_006934.4); c.1661G>A, p.Arg554Gln (NM_201649.4); c.1661G>A (NM_201649.2); short protein forms R370Q, R416Q, R481Q, R485Q, R460Q, R554Q, R500Q.
Identifiers: ClinVar variation 1417159 (VCV001417159.4), dbSNP rs201783916, ClinGen allele CA817475.

ClinVar aggregate classification (germline): Uncertain significance. Review status: criteria provided, multiple submitters, no conflicts (2 of 4 stars). 2 submissions from 2 submitters: Uncertain significance (2). Last evaluated 2025-06-07.

Conditions:
Atypical glycine encephalopathy. Also called: Glycine encephalopathy with normal serum glycine. Identifiers: Orphanet 289863, MedGen C4310943, MONDO:0015010, OMIM 617301.
Inborn genetic diseases. Identifiers: MedGen C0950123, MeSH D030342.

Allele frequency attached by ClinVar (database versions not stated): gnomAD exomes 0.00005 and 0.00003; 1000 Genomes Project 0.00020; gnomAD 0.00002 and 0.00003; 1000 Genomes Project 30x 0.00016; TOPMed 0.00003; ExAC 0.00004; ESP Exome Variant Server 0.00008.
gnomAD v4.1: 42 of 1,607,510 alleles (0.0026%); highest among the groups gnomAD compares: South Asian, 0.02%; no homozygotes.

Submissions (2):

Ambry Genetics
Classification: Uncertain significance for Inborn genetic diseases. Last evaluated: 2025-06-07. Review status: criteria provided, single submitter. Criteria: Ambry Variant Classification Scheme 2023. Collection method: clinical testing. Allele origin: germline.

Labcorp Genetics (formerly Invitae), Labcorp
Classification: Uncertain significance for Atypical glycine encephalopathy. Last evaluated: 2021-12-10. Review status: criteria provided, single submitter. Criteria: Invitae Variant Classification Sherloc (09022015). Collection method: clinical testing. Allele origin: germline.
Comment: This sequence change replaces arginine, which is basic and polar, with glutamine, which is neutral and polar, at codon 554 of the SLC6A9 protein (p.Arg554Gln). This variant is present in population databases (rs201783916, gnomAD 0.02%). This variant has not been reported in the literature in individuals affected with SLC6A9-related conditions. Algorithms developed to predict the effect of missense changes on protein structure and function output the following: SIFT: "Deleterious"; PolyPhen-2: "Benign"; Align-GVGD: "Class C0". The glutamine amino acid residue is found in multiple mammalian species, which suggests that this missense change does not adversely affect protein function. In summary, the available evidence is currently insufficient to determine the role of this variant in disease. Therefore, it has been classified as a Variant of Uncertain Significance.